The following is an entry in ClinVar:

NM_206933.4(USH2A):c.5581G>A (p.Gly1861Ser)

Genes: USH2A-AS2 (USH2A antisense RNA 2; plus strand), USH2A (usherin; minus strand). Cytogenetic location: 1q41.
Variant type: single nucleotide variant.
Coding change: c.5581G>A on transcript NM_206933.4 (MANE Select); coding-DNA position 5581, G replaced by A.
Protein change: p.Gly1861Ser; replaces glycine 1861 with serine.
Molecular consequence: missense variant.
Genome position (GRCh38, 1-based): chr1:216,073,292, C>T on the plus strand (G>A on the coding strand, the complement: USH2A is on the minus strand). VCF-style: chr1-216073292-C-T. GRCh37 (hg19) VCF-style: chr1-216246634-C-T.
Other names: NM_206933.2(USH2A):c.5581G>A(p.Gly1861Ser); NM_206933.2(USH2A):c.5581G>A; short protein forms G1861S.
Identifiers: ClinVar variation 48535 (VCV000048535.31), dbSNP rs375668376, ClinGen allele CA262105.
Genomic context (GRCh38, chr1:216,073,292, plus strand): 5'-TGGACACAGATGCCAAGTTAACGACAGCACCCCGTGTAAATTTAACATCCTTCATGCAAC[C>T]ACCGAAACCTAGCAAATAGTAAGGGATTAGTATCGCATAAAGGGCTTGAGTCATTAATTA-3'
Protein context (NP_996816.3, residues 1851-1871): QHLCLEQGFG[Gly1861Ser]CMKDVKFTRG

ClinVar aggregate classification (germline): Pathogenic. Review status: reviewed by expert panel (3 of 4 stars). 15 submissions from 15 submitters: Pathogenic (1). 14 of the submissions do not count toward it. Last evaluated 2018-09-14.

Conditions:
Rare genetic deafness. Identifiers: Orphanet 96210, MedGen C5680250.
Usher syndrome. Also called: Usher's syndrome; Usher Syndromes. Identifiers: Orphanet 886, MedGen CN469326, MeSH D052245, MONDO:0019501. Disease mechanism: loss of function.
USH2A-related disorder. Also called: USH2A-related disorders; USH2A-related condition. Identifiers: MedGen CN239332.
Usher syndrome type 2A. Also called: RETINAL DISEASE IN USHER SYNDROME TYPE IIA, MODIFIER OF; USHER SYNDROME, TYPE IIA. Identifiers: Orphanet 231178, Orphanet 886, MedGen C1848634, MONDO:0010169, OMIM 276901.
Retinitis pigmentosa 39 (RP39). Identifiers: Orphanet 791, MedGen C3151138, MONDO:0013436, OMIM 613809.

Allele frequency attached by ClinVar (database versions not stated): gnomAD 0.00001 and 0.00002; gnomAD exomes 0.00001 and below 0.00001; TOPMed 0.00001; ESP Exome Variant Server 0.00008; ExAC 0.00001.
gnomAD v4.1: 6 of 1,612,856 alleles (0.00037%); highest among the groups gnomAD compares: East Asian, 0.0067%; no homozygotes.

Submissions 1 to 9 of 15:

ClinGen Hearing Loss Variant Curation Expert Panel
Classification: Pathogenic for Usher syndrome. Last evaluated: 2018-09-14. Review status: reviewed by expert panel. Criteria: ClinGen HL ACMG Specifications v1. Collection method: curation. Allele origin: germline. Inheritance: Autosomal recessive inheritance.
Comment: The allele frequency of the p.Gly1861Ser variant in USH2A is 0.017% (3/17184) of East Asian chromosomes by the Genome Aggregation Database, which is a low enough frequency to award PM2_Supporting based on the thresholds defined by the ClinGen Hearing Loss Expert Panel for autosomal recessive hearing loss (PM2_P). This variant was found to have a statistically higher prevalence in affected individuals over controls (PS4; PMIDs: 26310143, 26338283, 23737954, Partners LMM internal data SCV000065557.5). This variant has been detected in 4 patients with hearing loss in trans with pathogenic or suspected-pathogenic variants (PM3_S; PMIDs: 26310143, 26338283, 23737954, Partners LMM internal data SCV000065557.5). The variant has been reported to segregate with hearing loss in one affected family member (PP1, PMID: 26310143). At least one patient with a variant in this gene displayed features of mild to severe hearing loss and retinitis pigmentosa (PP4; PMID: PMIDs: 26310143, 26338283, 23737954, Partners LMM internal data SCV000065557.5). Computational prediction tools and conservation analysis suggest that the p.Gly1861Ser variant may impact the protein (PP3). In summary, this variant meets criteria to be classified as pathogenic for autosomal recessive Usher syndrome based on the ACMG/AMP criteria applied, as specified by the Hearing Loss Expert Panel: PS4, PM2_P, PP3, PM3_S, PP1, PP4.

Medical and Scientific Branch, Hong Kong Genome Institute
Classification: Pathogenic for Usher syndrome type 2A. Last evaluated: 2026-01-26. Review status: criteria provided, single submitter. Criteria: ACMG Guidelines, 2015. Collection method: clinical testing. Allele origin: unknown. Affected: yes. Not counted in ClinVar's aggregate classification.

Myriad Genetics, Inc.
Classification: Likely pathogenic for USH2A-related disorder. Last evaluated: 2025-12-26. Review status: criteria provided, single submitter. Criteria: Myriad Autosomal Dominant, Autosomal Recessive and X-Linked Classification Criteria (2023). Collection method: clinical testing. Allele origin: unknown. Not counted in ClinVar's aggregate classification.
Comment: NM_206933.2(USH2A):c.5581G>A(G1861S) is a missense variant classified as likely pathogenic in the context of USH2A-related disorders. G1861S has been observed in cases with relevant disease (PMID: 26310143, 32893482, 25356976, 23737954, 26338283, 30948794, 38879497). Relevant functional assessments of this variant are not available in the literature. G1861S has been observed in referenced population frequency databases. In summary, NM_206933.2(USH2A):c.5581G>A(G1861S) is a missense variant that has been observed more frequently in cases with the relevant disease than in healthy populations. Please note: this variant was assessed in the context of healthy population screening.

Labcorp Genetics (formerly Invitae), Labcorp
Classification: Pathogenic. Last evaluated: 2025-07-09. Review status: criteria provided, single submitter. Criteria: Invitae Variant Classification Sherloc (09022015). Collection method: clinical testing. Allele origin: germline. Not counted in ClinVar's aggregate classification.
Comment: This sequence change replaces glycine, which is neutral and non-polar, with serine, which is neutral and polar, at codon 1861 of the USH2A protein (p.Gly1861Ser). This variant is present in population databases (rs375668376, gnomAD 0.02%). This missense change has been observed in individual(s) with Usher syndrome (PMID: 23737954, 25356976, 26310143, 26338283, 29625443). In at least one individual the data is consistent with being in trans (on the opposite chromosome) from a pathogenic variant. It has also been observed to segregate with disease in related individuals. ClinVar contains an entry for this variant (Variation ID: 48535). Invitae Evidence Modeling of protein sequence and biophysical properties (such as structural, functional, and spatial information, amino acid conservation, physicochemical variation, residue mobility, and thermodynamic stability) indicates that this missense variant is expected to disrupt USH2A protein function with a positive predictive value of 95%. For these reasons, this variant has been classified as Pathogenic.

Natera, Inc.
Classification: Pathogenic for Usher syndrome type 2A. Last evaluated: 2025-06-20. Review status: criteria provided, single submitter. Criteria: Natera Variant Classification Schema (03/2026). Collection method: clinical testing. Allele origin: germline. Not counted in ClinVar's aggregate classification.
Comment: The c.5581G>A variant in USH2A is a missense variant predicted to cause substitution of glycine to serine at amino acid 1861. This variant is rare in the general population with a frequency below the threshold expected for the associated phenotype(s). This variant has been observed in one or more individuals affected with the associated recessive disease, as either homozygous or compound heterozygous with a second variant (PMID: 32188678, 26310143). Additionally, this variant has been observed to segregate in affected family members (PMID: 26310143). Computational prediction algorithms indicate this variant is likely to affect gene or protein function. Given the available evidence, this variant is classified as Pathogenic.

PreventionGenetics, part of Exact Sciences
Classification: Pathogenic for USH2A-related condition. Last evaluated: 2025-06-17. Review status: criteria provided, single submitter. Criteria: ACMG Guidelines, 2015. Collection method: clinical testing. Allele origin: germline. Not counted in ClinVar's aggregate classification.
Comment: The USH2A c.5581G>A variant is predicted to result in the amino acid substitution p.Gly1861Ser. This variant has been reported along with a second potentially causative variant including at least one truncating variant in patients with retinitis pigmentosa, non-syndromic hearing loss, and Usher syndrome (Huang et al. 2013. PubMed ID: 23737954; Chen et al. 2020. PubMed ID: 32893482; Supplemental, Gao et al. 2021. PubMed ID: 32188678; Table S3, Guan. 2021. PubMed ID: 34416374; Table S5, Huang. 2015. PubMed ID: 25356976; Zheng. 2015. PubMed ID: 26310143). This variant is reported in 0.016% of alleles in individuals of East Asian descent in gnomAD and is interpreted as pathogenic by the ClinGen Hearing Loss Variant Curation Expert Panel. This variant is interpreted as pathogenic.

SingHealth Duke-NUS Institute of Precision Medicine
Classification: Pathogenic for Retinitis pigmentosa 39. Last evaluated: 2025-02-05. Review status: criteria provided, single submitter. Criteria: PRISM ACMG Classification Criteria. Collection method: clinical testing. Allele origin: germline. Affected: yes. Not counted in ClinVar's aggregate classification.
Comment: Variant is located in a mutational hotspot where >50% of variants are pathogenic (PM1). Homozygous allele count in gnomAD exomes and genomes are less than 0 (PM2). Other variant at this amino acid residue is classified as likely pathogenic (PM5, p.Gly1861Val). REVEL score is 0.786 (PP3_mod). Prevalence in affected patients is greater compared to the general populace (PS4).

3billion
Classification: Likely pathogenic for Retinitis pigmentosa 39. Last evaluated: 2024-12-18. Review status: criteria provided, single submitter. Criteria: ACMG Guidelines, 2015. Collection method: clinical testing. Allele origin: germline. Affected: yes. Not counted in ClinVar's aggregate classification.
Comment: The variant is observed at an extremely low frequency in the gnomAD v4.1.0 dataset (total allele frequency: <0.001%). Predicted Consequence/Location: Missense variant. The majority of the known disease-causing variants of this gene are variants expected to result in premature termination of the protein. In silico tool predictions suggest damaging effect of the variant on gene or gene product [REVEL: 0.79 (>=0.6, sensitivity 0.68 and specificity 0.92); 3Cnet: 0.98 (>=0.6, sensitivity 0.72 and precision 0.9)]. The same nucleotide change resulting in the same amino acid change has been previously reported as pathogenic/likely pathogenic with strong evidence (ClinVar ID: VCV000048535 /PMID: 23737954). A different missense change at the same codon (p.Gly1861Val) has been reported to be associated with USH2A-related disorder (ClinVar ID: VCV002703558). Therefore, this variant is classified as Likely pathogenic according to the recommendation of ACMG/AMP guideline.

Blueprint Genetics
Classification: Pathogenic for USH2A-related disorders. Last evaluated: 2024-04-19. Review status: criteria provided, single submitter. Criteria: ACMG Guidelines, 2015. Collection method: clinical testing. Allele origin: germline. Affected: yes. Observed: 3 variant alleles. Not counted in ClinVar's aggregate classification.